The following is an entry in ClinVar:

ClinVar aggregate classification (germline): Uncertain significance (1 of 4 stars; one submission).

Conditions:
Brugada syndrome. Also called: Sudden unexpected nocturnal death syndrome; Sudden Unexplained Death Syndrome; Sudden Unexplained Nocturnal Death Syndrome (SUNDS); Sudden unexplained nocturnal death syndrome. Identifiers: Orphanet 130, MedGen C1142166, MONDO:0015263.

gnomAD v4.1: 3 of 1,606,540 alleles (0.00019%); highest among the groups gnomAD compares: Non-Finnish European, 0.00025%; no homozygotes.

Submission:

Labcorp Genetics (formerly Invitae), Labcorp
Classification: Uncertain significance for Brugada syndrome. Last evaluated: 2025-08-18. Review status: criteria provided, single submitter. Criteria: Invitae Variant Classification Sherloc (09022015). Collection method: clinical testing. Allele origin: germline.
Comment: This sequence change falls in intron 24 of the SCN10A gene. It does not directly change the encoded amino acid sequence of the SCN10A protein. It affects a nucleotide within the consensus splice site. This variant is not present in population databases (gnomAD no frequency). This variant has not been reported in the literature in individuals affected with SCN10A-related conditions. Variants that disrupt the consensus splice site are a relatively common cause of aberrant splicing (PMID: 17576681, 9536098). Algorithms developed to predict the effect of sequence changes on RNA splicing suggest that this variant is not likely to affect RNA splicing. In summary, the available evidence is currently insufficient to determine the role of this variant in disease. Therefore, it has been classified as a Variant of Uncertain Significance.

Literature cited by the submitters: PubMed 17576681; PubMed 9536098.

NM_006514.4(SCN10A):c.4281+6T>C

Gene: SCN10A (sodium voltage-gated channel alpha subunit 10; minus strand). Cytogenetic location: 3p22.2.
Variant type: single nucleotide variant.
Coding change: c.4281+6T>C on transcript NM_006514.4 (MANE Select); 6 bases into the intron after coding-DNA position 4281, T replaced by C.
Molecular consequence: intron variant.
Genome position (GRCh38, 1-based): chr3:38,709,472, A>G on the plus strand (T>C on the coding strand, the complement: SCN10A is on the minus strand). VCF-style: chr3-38709472-A-G. GRCh37 (hg19) VCF-style: chr3-38750963-A-G.
Other names: c.3987+6T>C (NM_001293307.2); c.4278+6T>C (NM_001293306.2).
Identifiers: ClinVar variation 4811029 (VCV004811029.1).